The following is an entry in ClinVar:

NM_018297.4(NGLY1):c.1891del (p.Gln631fs)

Gene: NGLY1 (N-glycanase 1; minus strand). Cytogenetic location: 3p24.2.
Variant type: Deletion.
Coding change: c.1891del on transcript NM_018297.4 (MANE Select); coding-DNA position 1891, one base deleted (C; older notation c.1891delC).
Protein change: p.Gln631fs; shifts the reading frame from glutamine 631.
Molecular consequence: frameshift variant. On other transcripts: 3 prime UTR variant (1).
Genome position (GRCh38, 1-based): chr3:25,719,534, G deleted on the plus strand (C on the coding strand, the reverse complement: NGLY1 is on the minus strand); the first of 3 consecutive G bases (chr3:25,719,534-25,719,536); deleting any one gives the same sequence. VCF-style (leftmost placement, unchanged base first): chr3-25719533-TG-T. GRCh37 (hg19) VCF-style: chr3-25761024-TG-T.
Other names: c.1891delC (NM_018297.3, NM_018297.4); c.1837del, p.Gln613fs (NM_001145293.2); c.1765del, p.Gln589fs (NM_001145294.2); c.*36del (NM_001145295.2); short protein forms Q589fs, Q613fs, Q631fs.
Identifiers: ClinVar variation 50961 (VCV000050961.20), dbSNP rs587776982, ClinGen allele CA143903.

ClinVar aggregate classification (germline): Pathogenic. Review status: criteria provided, multiple submitters, no conflicts (2 of 4 stars). 9 submissions from 9 submitters: Pathogenic (8). 1 of the submissions does not count toward it. Last evaluated 2025-05-11.

Conditions:
Congenital disorder of deglycosylation 1. Also called: NGLY1-Related Congenital Disorder of Deglycosylation; NGLY1-deficiency. Identifiers: Orphanet 404454, MedGen CN306977, MONDO:0800044, OMIM 615273.
Congenital disorder of deglycosylation (CDDG). Identifiers: MedGen C3808991, MONDO:0031376.

Submissions (9):

Labcorp Genetics (formerly Invitae), Labcorp
Classification: Pathogenic for Congenital disorder of deglycosylation. Last evaluated: 2025-05-11. Review status: criteria provided, single submitter. Criteria: Invitae Variant Classification Sherloc (09022015). Collection method: clinical testing. Allele origin: germline.
Comment: This sequence change creates a premature translational stop signal (p.Gln631Serfs*7) in the NGLY1 gene. While this is not anticipated to result in nonsense mediated decay, it is expected to disrupt the last 24 amino acid(s) of the NGLY1 protein. This variant is present in population databases (no rsID available, gnomAD 0.006%). This premature translational stop signal has been observed in individual(s) with clinical features of NGLY1 deficiency (PMID: 24651605, 25900930, 30740912). In at least one individual the data is consistent with being in trans (on the opposite chromosome) from a pathogenic variant. This variant is also known as c.1837del (p.Gln613fs). ClinVar contains an entry for this variant (Variation ID: 50961). Studies have shown that this premature translational stop signal alters NGLY1 gene expression (PMID: 22581936, 25900930). For these reasons, this variant has been classified as Pathogenic.

New York Genome Center
Classification: Pathogenic for Congenital disorder of deglycosylation 1. Last evaluated: 2024-10-28. Review status: criteria provided, single submitter. Criteria: NYGC Assertion Criteria 2020. Collection method: clinical testing. Allele origin: inherited. Observed: 1 variant allele, 1 compound heterozygote.
Comment: The inherited heterozygous c.1891del p.(Gln631SerfsTer7) variant has been reported in multiple individuals in compound heterozygous [PMID: 22581936, 27388694, 32395402, 32422350] and homozygous [PMID: 30740912, 31957011] states with developmental delay, multifocal epilepsy, involuntary movements, and abnormal liver function. The c.1891del variant has been deposited in ClinVar [ClinVar ID: 50961] as Pathogenic by multiple submitters. The c.1891del variant is observed in 38 alleles (0.0018% minor allele frequency with 0 homozygotes) in the population databases (gnomADv4.1.0, All of US), suggesting it is not a common benign variant in the populations represented in that database. The c.1891del variant in NGLY1 is located in exon 12 of this 12-exon gene, is predicted to alter the wild-type translational reading frame and incorporate a premature translation termination codon at position 638 of the peptide sequence and alter the final 23 amino acids of the catalytic domain of this enzyme at the C-terminal end of the protein. Due to its location in the final exon of this gene, mRNA transcripts bearing this variant are expected to escape nonsense-mediated mRNA decay. However, leukocytes derived from an individual compound heterozygous for NGLY1 premature termination variants p.(Gln631SerfsTer71) and p.(Arg401Ter) failed to generate any stable NGLY1 protein while heterozygous parents generated reduced protein when compared to two unrelated controls [PMID: 22581936], suggesting that the protein missing the C-terminal region is unstable. Based on available evidence the inherited heterozygous c.1891del, p.(Gln631SerfsTer7) variant identified in the NGLY1 gene is classified as Pathogenic.

Fulgent Genetics
Classification: Pathogenic for Congenital disorder of deglycosylation 1. Last evaluated: 2024-03-29. Review status: criteria provided, single submitter. Criteria: ACMG Guidelines, 2015. Collection method: clinical testing. Allele origin: germline.

Women's Health and Genetics/Laboratory Corporation of America, LabCorp
Classification: Pathogenic for Congenital disorder of deglycosylation. Last evaluated: 2023-12-12. Review status: criteria provided, single submitter. Criteria: LabCorp Variant Classification Summary - May 2015. Collection method: clinical testing. Allele origin: germline.
Comment: Variant summary: NGLY1 c.1891delC (p.Gln631SerfsX7) located in the last exon results in a premature termination codon, predicted to cause a truncation of the encoded protein or absence of the protein due to nonsense mediated decay, which are commonly known mechanisms for disease. At-least one study reports a lack of protein expression in leukocytes derived from a compound heterozygous individual harboring this variant and another truncation in the NGLY1 gene (example, Need_2012). The variant allele was found at a frequency of 8e-06 in 251260 control chromosomes. c.1891delC has been reported in the literature as a compound heterozygous genotype in individuals affected with Congenital Disorder Of Deglycosylation (example, Need_2012 cited in He_2015, Rios-Flores_2020, Budhiraja_2022). These data indicate that the variant is likely to be associated with disease. The following publications have been ascertained in the context of this evaluation (PMID: 36102038, 25900930, 22581936, 32422350). Four submitters have cited clinical-significance assessments for this variant to ClinVar after 2014. All submitters classified the variant as pathogenic/likely pathogenic. Based on the evidence outlined above, the variant was classified as pathogenic.

3billion
Classification: Pathogenic for Congenital disorder of deglycosylation 1. Last evaluated: 2023-09-05. Review status: criteria provided, single submitter. Criteria: ACMG Guidelines, 2015. Collection method: clinical testing. Allele origin: germline. Affected: yes.
Comment: The variant is observed at an extremely low frequency in the gnomAD v2.1.1 dataset (total allele frequency: 0.001%). Predicted Consequence/Location: Frameshift: predicted to result in a loss or disruption of normal protein function through protein truncation. The predicted truncated protein may be shortened by less than 10%. The variant has been reported to be in trans with a pathogenic variant as either compound heterozygous or homozygous in at least one similarly affected unrelated individual (PMID: 24651605). The variant has been reported at least twice as pathogenic with clinical assertions and evidence for the classification (ClinVar ID: VCV000050961 /PMID: 22581936). Therefore, this variant is classified as Pathogenic according to the recommendation of ACMG/AMP guideline.

GeneDx
Classification: Pathogenic. Last evaluated: 2022-11-25. Review status: criteria provided, single submitter. Criteria: GeneDx Variant Classification Process June 2021. Collection method: clinical testing. Allele origin: germline. Affected: yes.
Comment: Frameshift variant predicted to result in protein truncation or nonsense mediated decay in a gene for which loss of function is a known mechanism of disease; This variant is associated with the following publications: (PMID: 26252162, 24651605, 27388694, 29550355, 25900930, 30740912, 31957011, 32395402, 32422350, 22581936)

Revvity Omics, Revvity
Classification: Pathogenic for Congenital disorder of deglycosylation 1. Last evaluated: 2019-10-24. Review status: criteria provided, single submitter. Criteria: ACMG Guidelines, 2015. Collection method: clinical testing. Allele origin: germline.

Eurofins Ntd Llc (ga)
Classification: Pathogenic. Last evaluated: 2016-08-23. Review status: criteria provided, single submitter. Criteria: EGL Classification Definitions 2015. Collection method: clinical testing. Allele origin: germline. Observed: 3 variant alleles, 2 heterozygotes, 1 homozygote.

OMIM
Classification: Pathogenic for CONGENITAL DISORDER OF DEGLYCOSYLATION 1. Last evaluated: 2012-06-01. Review status: no assertion criteria provided. Collection method: literature only. Allele origin: germline. Not counted in ClinVar's aggregate classification.

Literature cited by the submitters: PubMed 24651605 (cited by 3 submitters); PubMed 25900930 (cited by Labcorp Genetics (formerly Invitae), Labcorp and Women's Health and Genetics/Laboratory Corporation of America, LabCorp); PubMed 30740912 (cited by Labcorp Genetics (formerly Invitae), Labcorp and New York Genome Center); PubMed 22581936 (cited by 5 submitters); PubMed 27388694 (cited by New York Genome Center); PubMed 32395402 (cited by New York Genome Center); PubMed 32422350 (cited by New York Genome Center and Women's Health and Genetics/Laboratory Corporation of America, LabCorp); PubMed 3195701 (cited by New York Genome Center); PubMed 36102038 (cited by Women's Health and Genetics/Laboratory Corporation of America, LabCorp); Shashi, V. Personal Communication. 2013. Durham, N.C. (cited by OMIM).